The following is an entry in ClinVar:

NM_020655.4(JPH3):c.1790G>A (p.Gly597Asp)

Gene: JPH3 (junctophilin 3; plus strand). Cytogenetic location: 16q24.2.
Variant type: single nucleotide variant.
Coding change: c.1790G>A on transcript NM_020655.4 (MANE Select); coding-DNA position 1790, G replaced by A.
Protein change: p.Gly597Asp; replaces glycine 597 with aspartic acid.
Molecular consequence: missense variant. On other transcripts: non-coding transcript variant (1).
Genome position (GRCh38, 1-based): chr16:87,690,150, G>A. VCF-style: chr16-87690150-G-A. GRCh37 (hg19) VCF-style: chr16-87723756-G-A.
Other names: short protein forms G597D.
Identifiers: ClinVar variation 3902218 (VCV003902218.1).

ClinVar aggregate classification (germline): Uncertain significance (1 of 4 stars; one submission).

gnomAD v4.1: 44 of 1,597,452 alleles (0.0028%); highest among the groups gnomAD compares: Middle Eastern, 0.15%; no homozygotes.

Submission:

Women's Health and Genetics/Laboratory Corporation of America, LabCorp
Classification: Uncertain significance. Last evaluated: 2025-05-29. Review status: criteria provided, single submitter. Criteria: LabCorp Variant Classification Summary - May 2015. Collection method: clinical testing. Allele origin: germline.
Comment: Variant summary: JPH3 c.1790G>A (p.Gly597Asp) results in a non-conservative amino acid change in the encoded protein sequence. Algorithms developed to predict the effect of missense changes on protein structure and function are either unavailable or do not agree on the potential impact of this missense change. The variant allele was found at a frequency of 2.3e-05 in 217648 control chromosomes. The available data on variant occurrences in the general population are insufficient to allow any conclusion about variant significance. To our knowledge, no occurrence of c.1790G>A in individuals affected with Huntington Disease-Like 2 and no experimental evidence demonstrating its impact on protein function have been reported. No submitters have cited clinical-significance assessments for this variant to ClinVar. Based on the evidence outlined above, the variant was classified as uncertain significance.